The following is an entry in ClinVar:

ClinVar aggregate classification (germline): Likely pathogenic (1 of 4 stars; one submission).

Conditions:
X-linked Alport syndrome (ATS1). Also called: NEPHROPATHY AND DEAFNESS, X-LINKED; COL4A5-Related Nephropathy. Identifiers: Orphanet 63, Orphanet 88917, MedGen C4746986, MONDO:0010520, OMIM 301050.

Submission:

Laboratory of Medical Genetics, National & Kapodistrian University of Athens
Classification: Likely pathogenic for X-linked Alport syndrome. Last evaluated: 2022-06-07. Review status: criteria provided, single submitter. Criteria: ACMG Guidelines, 2015. Collection method: clinical testing. Allele origin: germline. Affected: yes.
Comment: PVS1, PM2

NM_033380.3(COL4A5):c.219_226del (p.Arg74fs)

Gene: COL4A5 (collagen type IV alpha 5 chain; plus strand). Cytogenetic location: Xq22.3.
Variant type: Deletion.
Coding change: c.219_226del on transcript NM_033380.3 (MANE Select); coding-DNA positions 219 to 226, 8 bases deleted (TCGGGGAC; older notation c.219_226delTCGGGGAC).
Protein change: p.Arg74fs; shifts the reading frame from arginine 74.
Molecular consequence: frameshift variant.
Genome position (GRCh38, 1-based): chrX:108,559,141-108,559,148, TCGGGGAC deleted; deleting any 8 consecutive bases within chrX:108,559,140-108,559,148 gives the same sequence; the c. name uses the placement nearest the transcript's 3' end. VCF-style (leftmost placement, unchanged base first): chrX-108559139-CCTCGGGGA-C. GRCh37 (hg19) VCF-style: chrX-107802369-CCTCGGGGA-C.
Other names: c.219_226del, p.Arg74fs (NM_000495.5); short protein forms R74fs.
Identifiers: ClinVar variation 1708055 (VCV001708055.1), dbSNP rs2524162912, ClinGen allele CA2580100152.
Genomic context (GRCh38, chrX:108,559,139, plus strand): 5'-CCAGGTTTGGAAGGACACCCAGGATTGCCTGGATTTCCAGGTCCAGAAGGGCCTCCGGGG[CCTCGGGGA>C]CAAAAGGTATGTATCATGTTGCCAACCAGTAATGCCAGATGAATTAAGTCATCTTAAATG-3'